The following is an entry in ClinVar:

NM_014714.4(IFT140):c.3080G>C (p.Gly1027Ala)

Genes: IFT140 (intraflagellar transport 140; minus strand), LOC126862260 (CDK7 strongly-dependent group 2 enhancer GRCh37_chr16:1574508-1575707; plus strand). Cytogenetic location: 16p13.3.
Variant type: single nucleotide variant.
Coding change: c.3080G>C on transcript NM_014714.4 (MANE Select); coding-DNA position 3080, G replaced by C.
Protein change: p.Gly1027Ala; replaces glycine 1027 with alanine.
Molecular consequence: missense variant.
Genome position (GRCh38, 1-based): chr16:1,524,613, C>G on the plus strand (G>C on the coding strand, the complement: IFT140 is on the minus strand). VCF-style: chr16-1524613-C-G. GRCh37 (hg19) VCF-style: chr16-1574614-C-G.
Other names: short protein forms G1027A.
Identifiers: ClinVar variation 2418972 (VCV002418972.5), dbSNP rs763621164, ClinGen allele CA7813323.

ClinVar aggregate classification (germline): Uncertain significance. Review status: criteria provided, multiple submitters, no conflicts (2 of 4 stars). 2 submissions from 2 submitters: Uncertain significance (2). Last evaluated 2024-02-21.

Conditions:
Saldino-Mainzer syndrome (SRTD9). Also called: short-rib thoracic dysplasia 9 with or without polydactyly; CONORENAL SYNDROME; SHORT-RIB THORACIC DYSPLASIA 9 WITHOUT POLYDACTYLY; Renal dysplasia, retinal pigmentary dystrophy, cerebellar ataxia and skeletal dysplasia. Identifiers: Orphanet 140969, MedGen C1849437, MONDO:0009964, OMIM 266920.

gnomAD v4.1: 3 of 1,604,596 alleles (0.00019%); highest among the groups gnomAD compares: Non-Finnish European, 0.00026%; no homozygotes.

Submissions (2):

Blueprint Genetics
Classification: Uncertain significance. Last evaluated: 2024-02-21. Review status: criteria provided, single submitter. Criteria: ACMG Guidelines, 2015. Collection method: clinical testing. Allele origin: germline.

Labcorp Genetics (formerly Invitae), Labcorp
Classification: Uncertain significance for Saldino-Mainzer syndrome. Last evaluated: 2022-02-28. Review status: criteria provided, single submitter. Criteria: Invitae Variant Classification Sherloc (09022015). Collection method: clinical testing. Allele origin: germline.
Comment: This sequence change replaces glycine, which is neutral and non-polar, with alanine, which is neutral and non-polar, at codon 1027 of the IFT140 protein (p.Gly1027Ala). This variant is present in population databases (rs763621164, gnomAD 0.0009%). This variant has not been reported in the literature in individuals affected with IFT140-related conditions. Algorithms developed to predict the effect of missense changes on protein structure and function (SIFT, PolyPhen-2, Align-GVGD) all suggest that this variant is likely to be tolerated. In summary, the available evidence is currently insufficient to determine the role of this variant in disease. Therefore, it has been classified as a Variant of Uncertain Significance.